The following is an entry in ClinVar:

ClinVar aggregate classification (germline): Uncertain significance (1 of 4 stars; one submission).

Conditions:
Inborn genetic diseases. Identifiers: MedGen C0950123, MeSH D030342.

gnomAD v4.1: 1 of 1,614,214 alleles (0.000062%); highest among the groups gnomAD compares: Admixed American, 0.0017%; no homozygotes.

Submission:

Ambry Genetics
Classification: Uncertain significance for Inborn genetic diseases. Last evaluated: 2025-08-25. Review status: criteria provided, single submitter. Criteria: Ambry Variant Classification Scheme 2023. Collection method: clinical testing. Allele origin: germline.
Comment: The p.E249A variant (also known as c.746A>C), located in coding exon 9 of the ASXL1 gene, results from an A to C substitution at nucleotide position 746. The glutamic acid at codon 249 is replaced by alanine, an amino acid with dissimilar properties. This amino acid position is conserved. In addition, this alteration is predicted to be tolerated by in silico analysis. Based on the available evidence, the clinical significance of this variant remains unclear.

NM_015338.6(ASXL1):c.746A>C (p.Glu249Ala)

Gene: ASXL1 (ASXL transcriptional regulator 1; plus strand). Cytogenetic location: 20q11.21.
Variant type: single nucleotide variant.
Coding change: c.746A>C on transcript NM_015338.6 (MANE Select); coding-DNA position 746, A replaced by C.
Protein change: p.Glu249Ala; replaces glutamic acid 249 with alanine.
Molecular consequence: missense variant.
Genome position (GRCh38, 1-based): chr20:32,431,348, A>C. VCF-style: chr20-32431348-A-C. GRCh37 (hg19) VCF-style: chr20-31019151-A-C.
Other names: c.563A>C, p.Glu188Ala (NM_001363734.1); short protein forms E249A, E188A.
Identifiers: ClinVar variation 4159223 (VCV004159223.1).